The following is an entry in ClinVar:

NM_000426.4(LAMA2):c.601T>C (p.Ser201Pro)

Gene: LAMA2 (laminin subunit alpha 2; plus strand). Cytogenetic location: 6q22.33.
Variant type: single nucleotide variant.
Coding change: c.601T>C on transcript NM_000426.4 (MANE Select); coding-DNA position 601, T replaced by C.
Protein change: p.Ser201Pro; replaces serine 201 with proline.
Molecular consequence: missense variant.
Genome position (GRCh38, 1-based): chr6:129,098,377, T>C. VCF-style: chr6-129098377-T-C. GRCh37 (hg19) VCF-style: chr6-129419522-T-C.
Other names: c.601T>C, p.Ser201Pro (NM_001079823.2); short protein forms S201P.
Identifiers: ClinVar variation 1981421 (VCV001981421.4), dbSNP rs2482428479, ClinGen allele CA365829472.
Genomic context (GRCh38, chr6:129,098,377, plus strand): 5'-AATATTTATCCCCGCACTGGGCCACCGTCATATGCCAAAGATGATGAGGTCATCTGCACT[T>C]CATTTTACTCCAAGATACACCCCTTAGAAAATGGAGAGGTAAGATGAGAAAACTCACCAT-3'
Protein context (NP_000417.3, residues 191-211): YAKDDEVICT[Ser201Pro]FYSKIHPLEN

ClinVar aggregate classification (germline): Uncertain significance (1 of 4 stars; one submission).

Conditions:
LAMA2-related muscular dystrophy (LAMA2-RD). Also called: Laminin alpha 2-related dystrophy. Identifiers: MedGen C5679788, MONDO:0100228.

Submission:

Labcorp Genetics (formerly Invitae), Labcorp
Classification: Uncertain significance for LAMA2-related muscular dystrophy. Last evaluated: 2025-01-27. Review status: criteria provided, single submitter. Criteria: Invitae Variant Classification Sherloc (09022015). Collection method: clinical testing. Allele origin: germline.
Comment: This sequence change replaces serine, which is neutral and polar, with proline, which is neutral and non-polar, at codon 201 of the LAMA2 protein (p.Ser201Pro). This variant is not present in population databases (gnomAD no frequency). This variant has not been reported in the literature in individuals affected with LAMA2-related conditions. ClinVar contains an entry for this variant (Variation ID: 1981421). Invitae Evidence Modeling of protein sequence and biophysical properties (such as structural, functional, and spatial information, amino acid conservation, physicochemical variation, residue mobility, and thermodynamic stability) indicates that this missense variant is not expected to disrupt LAMA2 protein function with a negative predictive value of 95%. In summary, the available evidence is currently insufficient to determine the role of this variant in disease. Therefore, it has been classified as a Variant of Uncertain Significance.